The following is an entry in ClinVar:

NM_201384.3(PLEC):c.7520G>A (p.Arg2507His)

Gene: PLEC (plectin; minus strand). Cytogenetic location: 8q24.3.
Variant type: single nucleotide variant.
Coding change: c.7520G>A on transcript NM_201384.3 (MANE Select); coding-DNA position 7520, G replaced by A.
Protein change: p.Arg2507His; replaces arginine 2507 with histidine.
Molecular consequence: missense variant.
Genome position (GRCh38, 1-based): chr8:143,922,301, C>T on the plus strand (G>A on the coding strand, the complement: PLEC is on the minus strand). VCF-style: chr8-143922301-C-T. GRCh37 (hg19) VCF-style: chr8-144996469-C-T.
Other names: c.7601G>A, p.Arg2534His (NM_000445.5); c.7478G>A, p.Arg2493His (NM_201378.4); c.7454G>A, p.Arg2485His (NM_201379.3); c.7931G>A, p.Arg2644His (NM_201380.4); c.7424G>A, p.Arg2475His (NM_201381.3); c.7520G>A, p.Arg2507His (NM_201382.4); c.7532G>A, p.Arg2511His (NM_201383.3); c.7601G>A (NM_000445.3); short protein forms R2475H, R2493H, R2507H, R2511H, R2485H, R2534H, R2644H.
Identifiers: ClinVar variation 964499 (VCV000964499.7), dbSNP rs782232833, ClinGen allele CA4925596.

ClinVar aggregate classification (germline): Uncertain significance. Review status: criteria provided, multiple submitters, no conflicts (2 of 4 stars). 2 submissions from 2 submitters: Uncertain significance (2). Last evaluated 2024-11-04.

Conditions:
Inborn genetic diseases. Identifiers: MedGen C0950123, MeSH D030342.
Epidermolysis bullosa simplex 5B, with muscular dystrophy (EBS5B). Also called: Epidermolysis bullosa simplex with muscular dystrophy; EPIDERMOLYSIS BULLOSA SIMPLEX AND LIMB-GIRDLE MUSCULAR DYSTROPHY. Identifiers: Orphanet 257, MedGen C2931072, MONDO:0009181, OMIM 226670.
Autosomal recessive limb-girdle muscular dystrophy type 2Q (LGMDR17). Also called: MUSCULAR DYSTROPHY, LIMB-GIRDLE, AUTOSOMAL RECESSIVE 17. Identifiers: Orphanet 254361, MedGen C3150989, MONDO:0013390, OMIM 613723.
Epidermolysis bullosa simplex with nail dystrophy (EBS5D). Identifiers: MedGen C4225309, MONDO:0014661, OMIM 616487.
Epidermolysis bullosa simplex 5C, with pyloric atresia (EBS5C). Also called: PLEC-Related Epidermolysis Bullosa with Pyloric Atresia; Epidermolysis bullosa simplex with pyloric atresia; PLEC1-Related Epidermolysis Bullosa with Pyloric Atresia. Identifiers: Orphanet 158684, MedGen C2677349, MONDO:0012807, OMIM 612138.
Epidermolysis bullosa simplex, Ogna type (EBS5A). Also called: Pidermolysis bullosa simplex 5A, Ogna type; EPIDERMOLYSIS BULLOSA SIMPLEX 5A, OGNA TYPE. Identifiers: Orphanet 79401, MedGen C0432317, MONDO:0007555, OMIM 131950.

Allele frequency attached by ClinVar (database versions not stated): gnomAD 0.00001; gnomAD exomes 0.00002; TOPMed 0.00002; ExAC 0.00003.
gnomAD v4.1: 31 of 1,607,380 alleles (0.0019%); highest among the groups gnomAD compares: South Asian, 0.0088%; no homozygotes.

Submissions (2):

Labcorp Genetics (formerly Invitae), Labcorp
Classification: Uncertain significance for Autosomal recessive limb-girdle muscular dystrophy type 2Q; Epidermolysis bullosa simplex, Ogna type; Epidermolysis bullosa simplex with nail dystrophy; Epidermolysis bullosa simplex 5C, with pyloric atresia; Epidermolysis bullosa simplex 5B, with muscular dystrophy. Last evaluated: 2024-11-04. Review status: criteria provided, single submitter. Criteria: Invitae Variant Classification Sherloc (09022015). Collection method: clinical testing. Allele origin: germline.
Comment: This sequence change replaces arginine, which is basic and polar, with histidine, which is basic and polar, at codon 2534 of the PLEC protein (p.Arg2534His). This variant is present in population databases (rs782232833, gnomAD 0.01%). This variant has not been reported in the literature in individuals affected with PLEC-related conditions. ClinVar contains an entry for this variant (Variation ID: 964499). Invitae Evidence Modeling of protein sequence and biophysical properties (such as structural, functional, and spatial information, amino acid conservation, physicochemical variation, residue mobility, and thermodynamic stability) indicates that this missense variant is not expected to disrupt PLEC protein function with a negative predictive value of 80%. In summary, the available evidence is currently insufficient to determine the role of this variant in disease. Therefore, it has been classified as a Variant of Uncertain Significance.

Ambry Genetics
Classification: Uncertain significance for Inborn genetic diseases. Last evaluated: 2024-07-02. Review status: criteria provided, single submitter. Criteria: Ambry Variant Classification Scheme 2023. Collection method: clinical testing. Allele origin: germline.